The following is an entry in ClinVar:

NM_015378.4(VPS13D):c.512C>G (p.Ala171Gly)

Gene: VPS13D (vacuolar protein sorting 13 homolog D; plus strand). Cytogenetic location: 1p36.22.
Variant type: single nucleotide variant.
Coding change: c.512C>G on transcript NM_015378.4 (MANE Select); coding-DNA position 512, C replaced by G.
Protein change: p.Ala171Gly; replaces alanine 171 with glycine.
Molecular consequence: missense variant.
Genome position (GRCh38, 1-based): chr1:12,249,287, C>G. VCF-style: chr1-12249287-C-G. GRCh37 (hg19) VCF-style: chr1-12309344-C-G.
Other names: p.Ala171Gly; c.512C>G, p.Ala171Gly (NM_018156.4); short protein forms A171G.
Identifiers: ClinVar variation 3188811 (VCV003188811.3), dbSNP rs767410275, ClinGen allele CA601237.

ClinVar aggregate classification (germline): Uncertain significance. Review status: criteria provided, multiple submitters, no conflicts (2 of 4 stars). 2 submissions from 2 submitters: Uncertain significance (2). Last evaluated 2025-03-11.

Conditions:
Inborn genetic diseases. Identifiers: MedGen C0950123, MeSH D030342.

Allele frequency attached by ClinVar (database versions not stated): gnomAD 0.00004; gnomAD exomes 0.00004; TOPMed 0.00005; ExAC 0.00002.
gnomAD v4.1: 70 of 1,613,806 alleles (0.0043%); highest among the groups gnomAD compares: Non-Finnish European, 0.0057%; no homozygotes.

Submissions (2):

Mayo Clinic Laboratories, Mayo Clinic
Classification: Uncertain significance. Last evaluated: 2025-03-11. Review status: criteria provided, single submitter. Criteria: ACMG Guidelines, 2015. Collection method: clinical testing. Allele origin: germline. Observed: 1 variant allele.
Comment: PM2_supporting

Ambry Genetics
Classification: Uncertain significance for Inborn genetic diseases. Last evaluated: 2024-10-16. Review status: criteria provided, single submitter. Criteria: Ambry Variant Classification Scheme 2023. Collection method: clinical testing. Allele origin: germline.